The following is an entry in ClinVar:

ClinVar aggregate classification (germline): Uncertain significance. Review status: criteria provided, multiple submitters, no conflicts (2 of 4 stars). 2 submissions from 2 submitters: Uncertain significance (2). Last evaluated 2024-01-01.

Conditions:
Charcot-Marie-Tooth disease type 2. Also called: Charcot-Marie-Tooth type 2. Identifiers: Orphanet 64746, MedGen C0270914, MONDO:0018993.

Allele frequency attached by ClinVar (database versions not stated): ExAC 0.00001; gnomAD exomes 0.00003.
gnomAD v4.1: 45 of 1,613,944 alleles (0.0028%); highest among the groups gnomAD compares: Non-Finnish European, 0.0037%; no homozygotes.

Submissions (2):

CeGaT Center for Human Genetics Tuebingen
Classification: Uncertain significance. Last evaluated: 2024-01-01. Review status: criteria provided, single submitter. Criteria: CeGaT Center For Human Genetics Tuebingen Variant Classification Criteria Version 2. Collection method: clinical testing. Allele origin: germline. Affected: yes. Observed: 1 variant allele.

Labcorp Genetics (formerly Invitae), Labcorp
Classification: Uncertain significance for Charcot-Marie-Tooth disease type 2. Last evaluated: 2023-10-16. Review status: criteria provided, single submitter. Criteria: Invitae Variant Classification Sherloc (09022015). Collection method: clinical testing. Allele origin: germline.
Comment: This sequence change replaces alanine, which is neutral and non-polar, with glycine, which is neutral and non-polar, at codon 508 of the AARS protein (p.Ala508Gly). This variant is present in population databases (rs766691787, gnomAD 0.002%). This variant has not been reported in the literature in individuals affected with AARS-related conditions. Advanced modeling of protein sequence and biophysical properties (such as structural, functional, and spatial information, amino acid conservation, physicochemical variation, residue mobility, and thermodynamic stability) performed at Invitae indicates that this missense variant is not expected to disrupt AARS protein function. In summary, the available evidence is currently insufficient to determine the role of this variant in disease. Therefore, it has been classified as a Variant of Uncertain Significance.

NM_001605.3(AARS1):c.1523C>G (p.Ala508Gly)

Gene: AARS1 (alanyl-tRNA synthetase 1; minus strand). Cytogenetic location: 16q22.1.
Variant type: single nucleotide variant.
Coding change: c.1523C>G on transcript NM_001605.3 (MANE Select); coding-DNA position 1523, C replaced by G.
Protein change: p.Ala508Gly; replaces alanine 508 with glycine.
Molecular consequence: missense variant.
Genome position (GRCh38, 1-based): chr16:70,262,494, G>C on the plus strand (C>G on the coding strand, the complement: AARS1 is on the minus strand). VCF-style: chr16-70262494-G-C. GRCh37 (hg19) VCF-style: chr16-70296397-G-C.
Other names: short protein forms A508G.
Identifiers: ClinVar variation 2968663 (VCV002968663.25), dbSNP rs766691787, ClinGen allele CA8140768.